The following is an entry in ClinVar:

ClinVar aggregate classification (germline): Pathogenic/Likely pathogenic. Review status: criteria provided, multiple submitters, no conflicts (2 of 4 stars). 8 submissions from 7 submitters: Pathogenic (4); Likely pathogenic (2). 2 of the submissions do not count toward it. Last evaluated 2025-05-26.

Conditions:
Pendred syndrome (PDS). Also called: Pendred's syndrome; DEAFNESS WITH GOITER; GOITER-DEAFNESS SYNDROME; HYPOTHYROIDISM, CONGENITAL, DUE TO DYSHORMONOGENESIS, 2B; Pendred Syndrome (PDS); THYROID DYSHORMONOGENESIS 2B. Identifiers: Orphanet 705, MedGen C0271829, MONDO:0010134, OMIM 274600.
Autosomal recessive nonsyndromic hearing loss 4 (DFNB4). Also called: Enlarged vestibular aqueduct, digenic; Nonsyndromic enlarged vestibular aqueduct (NSEVA); Deafness, autosomal recessive 4, with enlarged vestibular aqueduct; FOXI1-Related Pendred Syndrome; KCNJ10-Related Pendred Syndrome; DEAFNESS, AUTOSOMAL RECESSIVE 4, WITH ENLARGED VESTIBULAR AQUEDUCT, DIGENIC. Identifiers: Orphanet 90636, MedGen C3538946, MONDO:0010933, OMIM 600791.

Allele frequency attached by ClinVar (database versions not stated): gnomAD exomes 0.00001.
gnomAD v4.1: 3 of 1,610,144 alleles (0.00019%); highest among the groups gnomAD compares: East Asian, 0.0067%; no homozygotes.

Submissions (8):

Natera, Inc.
Classification: Pathogenic for Pendred syndrome. Last evaluated: 2025-05-26. Review status: criteria provided, single submitter. Criteria: Natera Variant Classification Schema (03/2026). Collection method: clinical testing. Allele origin: germline.
Comment: The c.1586T>G variant in SLC26A4 is a missense variant predicted to cause substitution of isoleucine to serine at amino acid 529. This variant is rare in the general population with a frequency below the threshold expected for the associated phenotype(s). This variant has been observed in one or more individuals affected with the associated recessive disease, as either homozygous or compound heterozygous with a second variant (PMID: 34170635, 36568381, 27610647, 24599119, 23918157). Computational prediction algorithms indicate this variant is likely to affect gene or protein function. Given the available evidence, this variant is classified as Pathogenic.

Women's Health and Genetics/Laboratory Corporation of America, LabCorp
Classification: Pathogenic for Pendred syndrome. Last evaluated: 2025-04-30. Review status: criteria provided, single submitter. Criteria: LabCorp Variant Classification Summary - May 2015. Collection method: clinical testing. Allele origin: germline.
Comment: Variant summary: SLC26A4 c.1586T>G (p.Ile529Ser) results in a non-conservative amino acid change in the encoded protein sequence. Four of four in-silico tools predict a damaging effect of the variant on protein function. The variant was absent in 251226 control chromosomes (gnomAD). c.1586T>G has been observed in multiple individuals affected with hearing loss (e.g., Wang_2007, Chen_2016, Luo_2017, Tian_2021). These data indicate that the variant is very likely to be associated with disease. At least one publication reports experimental evidence evaluating an impact on protein function. The most pronounced variant effect results in 10%-<30% of normal anion transport activity (Wasano_2020). The following publications have been ascertained in the context of this evaluation (PMID: 17718863, 28786104, 31599023, 27610647, 34170635). ClinVar contains an entry for this variant (Variation ID: 189160). Based on the evidence outlined above, the variant was classified as pathogenic.

Labcorp Genetics (formerly Invitae), Labcorp
Classification: Pathogenic. Last evaluated: 2023-11-10. Review status: criteria provided, single submitter. Criteria: Invitae Variant Classification Sherloc (09022015). Collection method: clinical testing. Allele origin: germline.
Comment: This sequence change replaces isoleucine, which is neutral and non-polar, with serine, which is neutral and polar, at codon 529 of the SLC26A4 protein (p.Ile529Ser). This variant is not present in population databases (gnomAD no frequency). This missense change has been observed in individual(s) with SLC26A4-related conditions (PMID: 17718863, 34170635). In at least one individual the data is consistent with being in trans (on the opposite chromosome) from a pathogenic variant. ClinVar contains an entry for this variant (Variation ID: 189160). Advanced modeling of protein sequence and biophysical properties (such as structural, functional, and spatial information, amino acid conservation, physicochemical variation, residue mobility, and thermodynamic stability) performed at Invitae indicates that this missense variant is expected to disrupt SLC26A4 protein function with a positive predictive value of 95%. Experimental studies have shown that this missense change affects SLC26A4 function (PMID: 31599023). For these reasons, this variant has been classified as Pathogenic.

Genome-Nilou Lab
Classification: Likely pathogenic for Autosomal recessive nonsyndromic hearing loss 4. Last evaluated: 2021-09-05. Review status: criteria provided, single submitter. Criteria: ACMG Guidelines, 2015. Collection method: clinical testing. Allele origin: germline. Affected: no.

Genome-Nilou Lab
Classification: Likely pathogenic for Pendred syndrome. Last evaluated: 2021-09-05. Review status: criteria provided, single submitter. Criteria: ACMG Guidelines, 2015. Collection method: clinical testing. Allele origin: germline. Affected: no.

Division of Hearing and Balance Research, National Hospital Organization Tokyo Medical Center
Classification: Pathogenic for Autosomal recessive nonsyndromic hearing loss 4. Last evaluated: 2017-07-01. Review status: criteria provided, single submitter. Criteria: Submitter's publication. Collection method: clinical testing. Allele origin: germline. Affected: yes. Observed: 1 variant allele.

National Institute of Sensory Organs, National Hospital Organization Tokyo Medical Center
Classification: Affects for Autosomal recessive nonsyndromic hearing loss 4. Last evaluated: 2019-08-20. Review status: no assertion criteria provided. Collection method: clinical testing, in vitro. Allele origin: germline. Inheritance: Autosomal recessive inheritance. Affected: yes. Functional consequence: loss_of_function_variant. Not counted in ClinVar's aggregate classification.
Comment: in vitro experiment

Counsyl
Classification: Likely pathogenic for Pendred's syndrome. Last evaluated: 2015-01-29. Review status: no assertion criteria provided. Collection method: literature only. Allele origin: unknown. Inheritance: Autosomal recessive inheritance. Not counted in ClinVar's aggregate classification.

Literature cited by the submitters: PubMed 34170635 (cited by 3 submitters); PubMed 36568381 (cited by Natera, Inc.); PubMed 27610647 (cited by Natera, Inc. and Women's Health and Genetics/Laboratory Corporation of America, LabCorp); PubMed 24599119 (cited by Natera, Inc. and Counsyl); PubMed 23918157 (cited by Natera, Inc. and Counsyl); PubMed 31599023 (cited by 3 submitters); PubMed 17718863 (cited by 4 submitters); PubMed 28786104 (cited by Women's Health and Genetics/Laboratory Corporation of America, LabCorp and National Institute of Sensory Organs, National Hospital Organization Tokyo Medical Center); PubMed 23296490 (cited by Counsyl); PubMed 23151025 (cited by Counsyl); PubMed 24105851 (cited by Counsyl); PubMed 23185506 (cited by Counsyl); PubMed 21961810 (cited by Counsyl).

NM_000441.2(SLC26A4):c.1586T>G (p.Ile529Ser)

Gene: SLC26A4 (solute carrier family 26 member 4; plus strand). Cytogenetic location: 7q22.3.
Variant type: single nucleotide variant.
Coding change: c.1586T>G on transcript NM_000441.2 (MANE Select); coding-DNA position 1586, T replaced by G.
Protein change: p.Ile529Ser; replaces isoleucine 529 with serine.
Molecular consequence: missense variant.
Genome position (GRCh38, 1-based): chr7:107,698,083, T>G. VCF-style: chr7-107698083-T-G. GRCh37 (hg19) VCF-style: chr7-107338528-T-G.
Other names: short protein forms I529S.
Identifiers: ClinVar variation 189160 (VCV000189160.17), dbSNP rs786204739, ClinGen allele CA274438.
Genomic context (GRCh38, chr7:107,698,083, plus strand): 5'-TTGATATTTTTTCTTCTAGTCCTTCTTGGAATGGCCTTGGAAGCATCCCTAGCACAGATA[T>G]CTACAAAAGTACCAAGAATTACAAAAACGTAAGTACCTTTGTGAGACATTTGCTGGACTT-3'
Protein context (NP_000432.1, residues 519-539): NGLGSIPSTD[Ile529Ser]YKSTKNYKNI